The following is an entry in ClinVar:

NM_017763.6(RNF43):c.1176A>G (p.Arg392=)

Gene: RNF43 (ring finger protein 43; minus strand). Cytogenetic location: 17q22.
Variant type: single nucleotide variant.
Coding change: c.1176A>G on transcript NM_017763.6 (MANE Select); coding-DNA position 1176, A replaced by G.
Protein change: p.Arg392=; no amino-acid change (arginine 392 retained).
Molecular consequence: synonymous variant.
Genome position (GRCh38, 1-based): chr17:58,358,600, T>C on the plus strand (A>G on the coding strand, the complement: RNF43 is on the minus strand). VCF-style: chr17-58358600-T-C. GRCh37 (hg19) VCF-style: chr17-56435961-T-C.
Other names: c.1176A>G, p.Arg392= (NM_001305544.3, NM_001438820.1, NM_001438821.1 and 1 more transcripts); c.795A>G, p.Arg265= (NM_001305545.2, NM_001437987.1).
Identifiers: ClinVar variation 4863410 (VCV004863410.2).

ClinVar aggregate classification (germline): Benign/Likely benign. Review status: criteria provided, multiple submitters, no conflicts (2 of 4 stars). 2 submissions from 2 submitters: Benign (1); Likely benign (1). Last evaluated 2026-07-01.

Conditions:
Sessile serrated polyposis cancer syndrome (SSPCS). Identifiers: Orphanet 157798, MedGen C4310714, MONDO:0014919, OMIM 617108.

gnomAD v4.1: 2 of 1,580,456 alleles (0.00013%); highest among the groups gnomAD compares: Non-Finnish European, 0.000086%; no homozygotes.

Submissions (2):

Myriad Genetics, Inc.
Classification: Benign for Sessile serrated polyposis cancer syndrome. Last evaluated: 2026-07-01. Review status: criteria provided, single submitter. Criteria: Myriad Autosomal Dominant, Autosomal Recessive and X-Linked Classification Criteria (2023). Collection method: clinical testing. Allele origin: unknown.
Comment: This variant is considered benign. This variant is a silent/synonymous amino acid change and it is not expected to impact splicing.

Ambry Genetics
Classification: Likely benign. Last evaluated: 2026-04-28. Review status: criteria provided, single submitter. Criteria: Ambry Variant Classification Scheme 2023. Collection method: clinical testing. Allele origin: germline.